The following is an entry in ClinVar:

NM_014956.5(CEP164):c.716G>A (p.Arg239Lys)

Gene: CEP164 (centrosomal protein 164; plus strand). Cytogenetic location: 11q23.3.
Variant type: single nucleotide variant.
Coding change: c.716G>A on transcript NM_014956.5 (MANE Select); coding-DNA position 716, G replaced by A.
Protein change: p.Arg239Lys; replaces arginine 239 with lysine.
Molecular consequence: missense variant. On other transcripts: intron variant (20).
Genome position (GRCh38, 1-based): chr11:117,363,457, G>A. VCF-style: chr11-117363457-G-A. GRCh37 (hg19) VCF-style: chr11-117234173-G-A.
Other names: c.716G>A, p.Arg239Lys (NM_001271933.2, NM_001440949.1, NM_001440950.1 and 16 more transcripts); c.578G>A, p.Arg193Lys (NM_001440960.1); c.687+919G>A (NM_001440972.1, NM_001440952.1, NM_001440987.1 and 17 more transcripts); short protein forms R239K, R193K.
Identifiers: ClinVar variation 5000880 (VCV005000880.1).
Genomic context (GRCh38, chr11:117,363,457, plus strand): 5'-GAGTTACCACTTGTCATCATTTTTGTTTCTAGAGTGTCCACAGCTCAAGTGAGCCTCTTA[G>A]GAACCTACACCTGGACATTGGGGCACTGGGGGGTGACTTTGAGTATGAGGTAAGAGCCCT-3'
Protein context (NP_055771.4, residues 229-249): QSVHSSSEPL[Arg239Lys]NLHLDIGALG

ClinVar aggregate classification (germline): Uncertain significance (1 of 4 stars; one submission).

Conditions:
CEP164-related disorder. Also called: CEP164-related condition.

Submission:

PreventionGenetics, part of Exact Sciences
Classification: Uncertain significance for CEP164-related condition. Last evaluated: 2025-07-22. Review status: criteria provided, single submitter. Criteria: ACMG Guidelines, 2015. Collection method: clinical testing. Allele origin: germline.
Comment: The CEP164 c.716G>A variant is predicted to result in the amino acid substitution p.Arg239Lys. To our knowledge, this variant has not been reported in the literature or in a large population database (gnomAD), indicating this variant is rare. At this time, the clinical significance of this variant is uncertain due to the absence of conclusive functional and genetic evidence.